The following is an entry in ClinVar:

ClinVar aggregate classification (germline): Uncertain significance (1 of 4 stars; one submission).

Conditions:
Hereditary cancer-predisposing syndrome. Also called: Neoplastic Syndromes, Hereditary; Hereditary neoplastic syndrome; Tumor predisposition; Hereditary Cancer Syndrome. Identifiers: Orphanet 140162, MedGen C0027672, MeSH D009386, MONDO:0015356.

Submission:

Labcorp Genetics (formerly Invitae), Labcorp
Classification: Uncertain significance for Hereditary cancer-predisposing syndrome. Last evaluated: 2021-05-19. Review status: criteria provided, single submitter. Criteria: Invitae Variant Classification Sherloc (09022015). Collection method: clinical testing. Allele origin: germline.
Comment: This sequence change replaces isoleucine with methionine at codon 761 of the RAD50 protein (p.Ile761Met). The isoleucine residue is moderately conserved and there is a small physicochemical difference between isoleucine and methionine. This variant is not present in population databases (ExAC no frequency). This variant has not been reported in the literature in individuals with RAD50-related conditions. Algorithms developed to predict the effect of missense changes on protein structure and function output the following: SIFT: "Tolerated"; PolyPhen-2: "Benign"; Align-GVGD: "Class C0". The methionine amino acid residue is found in multiple mammalian species, suggesting that this missense change does not adversely affect protein function. These predictions have not been confirmed by published functional studies and their clinical significance is uncertain. In summary, the available evidence is currently insufficient to determine the role of this variant in disease. Therefore, it has been classified as a Variant of Uncertain Significance.

NM_005732.4(RAD50):c.2283A>G (p.Ile761Met)

Gene: RAD50 (RAD50 double strand break repair protein; plus strand). Cytogenetic location: 5q31.1.
Variant type: single nucleotide variant.
Coding change: c.2283A>G on transcript NM_005732.4 (MANE Select); coding-DNA position 2283, A replaced by G.
Protein change: p.Ile761Met; replaces isoleucine 761 with methionine.
Molecular consequence: missense variant.
Genome position (GRCh38, 1-based): chr5:132,603,375, A>G. VCF-style: chr5-132603375-A-G. GRCh37 (hg19) VCF-style: chr5-131939067-A-G.
Other names: short protein forms I761M.
Identifiers: ClinVar variation 1396398 (VCV001396398.8), dbSNP rs892069738, ClinGen allele CA360954307.
Genomic context (GRCh38, chr5:132,603,375, plus strand): 5'-TTTGAAGGAGAAGGAAATACCAGAATTAAGAAACAAACTGCAGAATGTCAATAGAGACAT[A>G]CAGCGCCTAAAGAACGACATAGAAGAACAAGAAACACTCTTGGGTACAATAATGCCTGAA-3'
Protein context (NP_005723.2, residues 751-771): RNKLQNVNRD[Ile761Met]QRLKNDIEEQ